The following is an entry in ClinVar:

ClinVar aggregate classification (germline): Likely benign (1 of 4 stars; one submission).

Submission:

CeGaT Center for Human Genetics Tuebingen
Classification: Likely benign. Last evaluated: 2025-10-01. Review status: criteria provided, single submitter. Criteria: CeGaT Center For Human Genetics Tuebingen Variant Classification Criteria Version 2. Collection method: clinical testing. Allele origin: germline. Affected: yes. Observed: 1 variant allele.
Comment: PRAMEF2: BP4, BP7

NM_023014.1(PRAMEF2):c.1065G>C (p.Val355=)

Gene: PRAMEF2 (PRAME family member 2; plus strand). Cytogenetic location: 1p36.21.
Variant type: single nucleotide variant.
Coding change: c.1065G>C on transcript NM_023014.1 (MANE Select); coding-DNA position 1065, G replaced by C.
Protein change: p.Val355=; no amino-acid change (valine 355 retained).
Molecular consequence: synonymous variant.
Genome position (GRCh38, 1-based): chr1:12,861,419, G>C. VCF-style: chr1-12861419-G-C. GRCh37 (hg19) VCF-style: chr1-12921274-G-C.
Identifiers: ClinVar variation 4534076 (VCV004534076.6).
Genomic context (GRCh38, chr1:12,861,419, plus strand): 5'-CAGTCTTGAACCCCTAGGAGCTCTGCTAGAGAAAATTGCTGCCTCTCTCGAGACCCTCGT[G>C]TTAGAGGGCTGTCAGATCCACTACTCCCAACTCAGTGCCATCCTGCCTGGCCTGAGCTGC-3'
Protein context (NP_075390.1, residues 345-365): EKIAASLETL[Val355=]LEGCQIHYSQ